The following is an entry in ClinVar:

ClinVar aggregate classification (germline): Uncertain significance (1 of 4 stars; one submission).

Conditions:
Combined immunodeficiency due to STIM1 deficiency. Also called: IMMUNODEFICIENCY 10; STIM1 DEFICIENCY. Identifiers: Orphanet 169090, Orphanet 317430, MedGen C2748557, MONDO:0013008, OMIM 612783.
Stormorken syndrome (STRMK). Also called: THROMBOCYTOPATHY, ASPLENIA, AND MIOSIS. Identifiers: Orphanet 3204, MedGen C1861451, MONDO:0008497, OMIM 185070.
Myopathy with tubular aggregates (TAM). Also called: Tubular Aggregate Myopathy. Identifiers: Orphanet 2593, MedGen C0410207, MONDO:0008051.

Allele frequency attached by ClinVar (database versions not stated): gnomAD exomes below 0.00001; ExAC 0.00001.
gnomAD v4.1: 1 of 1,613,852 alleles (0.000062%); highest among the groups gnomAD compares: South Asian, 0.0011%; no homozygotes.

Submission:

Labcorp Genetics (formerly Invitae), Labcorp
Classification: Uncertain significance for Myopathy with tubular aggregates; Combined immunodeficiency due to STIM1 deficiency; Stormorken syndrome. Last evaluated: 2022-08-23. Review status: criteria provided, single submitter. Criteria: Invitae Variant Classification Sherloc (09022015). Collection method: clinical testing. Allele origin: germline.
Comment: This sequence change replaces alanine, which is neutral and non-polar, with threonine, which is neutral and polar, at codon 380 of the STIM1 protein (p.Ala380Thr). This variant is present in population databases (rs755910491, gnomAD 0.003%). In summary, the available evidence is currently insufficient to determine the role of this variant in disease. Therefore, it has been classified as a Variant of Uncertain Significance. Experimental studies have shown that this missense change affects STIM1 function (PMID: 32098964). Algorithms developed to predict the effect of missense changes on protein structure and function are either unavailable or do not agree on the potential impact of this missense change (SIFT: "Tolerated"; PolyPhen-2: "Probably Damaging"; Align-GVGD: "Class C0"). This variant has not been reported in the literature in individuals affected with STIM1-related conditions.

Literature cited by the submitters: PubMed 32098964.

NM_001382567.1(STIM1):c.1138G>A (p.Ala380Thr)

Gene: STIM1 (stromal interaction molecule 1; plus strand). Cytogenetic location: 11p15.4.
Variant type: single nucleotide variant.
Coding change: c.1138G>A on transcript NM_001382567.1 (MANE Select); coding-DNA position 1138, G replaced by A.
Protein change: p.Ala380Thr; replaces alanine 380 with threonine.
Molecular consequence: missense variant. On other transcripts: non-coding transcript variant (2).
Genome position (GRCh38, 1-based): chr11:4,082,882, G>A. VCF-style: chr11-4082882-G-A. GRCh37 (hg19) VCF-style: chr11-4104112-G-A.
Other names: c.1138G>A, p.Ala380Thr (NM_001277961.3, NM_001277962.2, NM_001382568.1 and 1 more transcripts); c.916G>A, p.Ala306Thr (NM_001382566.1, NM_001382573.1, NM_001382575.1 and 4 more transcripts); c.1003G>A, p.Ala335Thr (NM_001382569.1); c.910G>A, p.Ala304Thr (NM_001382570.1); c.658G>A, p.Ala220Thr (NM_001382571.1); c.649G>A, p.Ala217Thr (NM_001382580.1, NM_001382581.1); short protein forms A306T, A304T, A217T, A220T, A335T, A380T.
Identifiers: ClinVar variation 2026469 (VCV002026469.4), dbSNP rs755910491, ClinGen allele CA5830413.